The following is an entry in ClinVar:

ClinVar aggregate classification (germline): Uncertain significance. Review status: criteria provided, multiple submitters, no conflicts (2 of 4 stars). 2 submissions from 2 submitters: Uncertain significance (2). Last evaluated 2025-02-02.

Allele frequency attached by ClinVar (database versions not stated): gnomAD exomes 0.00002; TOPMed 0.00003; gnomAD 0.00006; ExAC 0.00009.
gnomAD v4.1: 46 of 1,611,604 alleles (0.0029%); highest among the groups gnomAD compares: Admixed American, 0.0067%; no homozygotes.

Submissions (2):

Ambry Genetics
Classification: Uncertain significance. Last evaluated: 2025-02-02. Review status: criteria provided, single submitter. Criteria: Ambry Variant Classification Scheme 2023. Collection method: clinical testing. Allele origin: germline.

Labcorp Genetics (formerly Invitae), Labcorp
Classification: Uncertain significance. Last evaluated: 2024-03-16. Review status: criteria provided, single submitter. Criteria: Invitae Variant Classification Sherloc (09022015). Collection method: clinical testing. Allele origin: germline.
Comment: This sequence change replaces glycine, which is neutral and non-polar, with serine, which is neutral and polar, at codon 187 of the REPS1 protein (p.Gly187Ser). This variant is present in population databases (rs774099745, gnomAD 0.04%). This variant has not been reported in the literature in individuals affected with REPS1-related conditions. ClinVar contains an entry for this variant (Variation ID: 2188534). Advanced modeling of protein sequence and biophysical properties (such as structural, functional, and spatial information, amino acid conservation, physicochemical variation, residue mobility, and thermodynamic stability) performed at Invitae indicates that this missense variant is not expected to disrupt REPS1 protein function with a negative predictive value of 80%. In summary, the available evidence is currently insufficient to determine the role of this variant in disease. Therefore, it has been classified as a Variant of Uncertain Significance.

NM_001286611.2(REPS1):c.559G>A (p.Gly187Ser)

Gene: REPS1 (RALBP1 associated Eps domain containing 1; minus strand). Cytogenetic location: 6q24.1.
Variant type: single nucleotide variant.
Coding change: c.559G>A on transcript NM_001286611.2 (MANE Select); coding-DNA position 559, G replaced by A.
Protein change: p.Gly187Ser; replaces glycine 187 with serine.
Molecular consequence: missense variant.
Genome position (GRCh38, 1-based): chr6:138,945,288, C>T on the plus strand (G>A on the coding strand, the complement: REPS1 is on the minus strand). VCF-style: chr6-138945288-C-T. GRCh37 (hg19) VCF-style: chr6-139266425-C-T.
Other names: c.559G>A, p.Gly187Ser (NM_001128617.3, NM_001286612.2, NM_031922.5); c.559G>A (NM_031922.3); short protein forms G187S.
Identifiers: ClinVar variation 2188534 (VCV002188534.5), dbSNP rs774099745, ClinGen allele CA4024426.
Genomic context (GRCh38, chr6:138,945,288, plus strand): 5'-CTTCACCAAAGGGAGACCAAAATGGCCCAGGTCCCGCGAGAGGCCTCTCACTATTCCCAC[C>T]GCTGGGATGACGGCTGTGCTTCCTCCATGTGTGTGGAGAAGTTGGTGGGGATTGCTGTGG-3'
Protein context (NP_001273540.1, residues 177-197): TWRKHSRHPS[Gly187Ser]GNSERPLAGP